The following is an entry in ClinVar:

NM_013275.6(ANKRD11):c.5638G>T (p.Glu1880Ter)

Gene: ANKRD11 (ankyrin repeat domain 11; minus strand). Cytogenetic location: 16q24.3.
Variant type: single nucleotide variant.
Coding change: c.5638G>T on transcript NM_013275.6 (MANE Select); coding-DNA position 5638, G replaced by T.
Protein change: p.Glu1880Ter; replaces glutamic acid 1880 with a stop codon.
Molecular consequence: nonsense.
Genome position (GRCh38, 1-based): chr16:89,280,904, C>A on the plus strand (G>T on the coding strand, the complement: ANKRD11 is on the minus strand). VCF-style: chr16-89280904-C-A. GRCh37 (hg19) VCF-style: chr16-89347312-C-A.
Other names: NP_037407.4:p.(Glu1880Ter); c.5638G>T, p.Glu1880Ter (NM_001256182.2, NM_001256183.2); short protein forms E1880*.
Identifiers: ClinVar variation 4876215 (VCV004876215.1).

ClinVar aggregate classification (germline): Pathogenic (1 of 4 stars; one submission).

Conditions:
KBG syndrome (KBGS). Also called: ANKRD11-Related KBG Syndrome. Identifiers: Orphanet 2332, MedGen C0220687, MONDO:0007846, OMIM 148050.

Submission:

Umrani?ye Training and Research Hospital
Classification: Pathogenic for KBG syndrome. Last evaluated: 2026-06-29. Review status: criteria provided, single submitter. Criteria: ACMG Guidelines, 2015. Collection method: clinical testing. Allele origin: germline. Inheritance: Autosomal dominant inheritance. Affected: yes.
Comment: PVS1, PM2, PM6

Literature cited by the submitters: PubMed 42808190.